The following is an entry in ClinVar:

NM_014425.5(INVS):c.1297G>A (p.Gly433Arg)

Gene: INVS (inversin; plus strand). Cytogenetic location: 9q31.1.
Variant type: single nucleotide variant.
Coding change: c.1297G>A on transcript NM_014425.5 (MANE Select); coding-DNA position 1297, G replaced by A.
Protein change: p.Gly433Arg; replaces glycine 433 with arginine.
Molecular consequence: missense variant. On other transcripts: non-coding transcript variant (1).
Genome position (GRCh38, 1-based): chr9:100,252,969, G>A. VCF-style: chr9-100252969-G-A. GRCh37 (hg19) VCF-style: chr9-103015251-G-A.
Other names: c.1009G>A, p.Gly337Arg (NM_001318381.2); c.319G>A, p.Gly107Arg (NM_001318382.2); short protein forms G337R, G433R, G107R.
Identifiers: ClinVar variation 1463214 (VCV001463214.8), dbSNP rs2118562856, ClinGen allele CA374364732.

ClinVar aggregate classification (germline): Uncertain significance (1 of 4 stars; one submission).

Conditions:
Nephronophthisis. Also called: Juvenile Nephronophthisis. Identifiers: Orphanet 655, MedGen C0687120, MONDO:0019005, HP:0000090.

Submission:

Labcorp Genetics (formerly Invitae), Labcorp
Classification: Uncertain significance for Nephronophthisis. Last evaluated: 2021-03-21. Review status: criteria provided, single submitter. Criteria: Invitae Variant Classification Sherloc (09022015). Collection method: clinical testing. Allele origin: germline.
Comment: In summary, the available evidence is currently insufficient to determine the role of this variant in disease. Therefore, it has been classified as a Variant of Uncertain Significance. Algorithms developed to predict the effect of missense changes on protein structure and function (SIFT, PolyPhen-2, Align-GVGD) all suggest that this variant is likely to be disruptive, but these predictions have not been confirmed by published functional studies and their clinical significance is uncertain. This variant has not been reported in the literature in individuals with INVS-related conditions. This variant is not present in population databases (ExAC no frequency). This sequence change replaces glycine with arginine at codon 433 of the INVS protein (p.Gly433Arg). The glycine residue is highly conserved and there is a moderate physicochemical difference between glycine and arginine.